The following is an entry in ClinVar:

NM_005560.6(LAMA5):c.5721C>T (p.Ser1907=)

Gene: LAMA5 (laminin subunit alpha 5; minus strand). Cytogenetic location: 20q13.33.
Variant type: single nucleotide variant.
Coding change: c.5721C>T on transcript NM_005560.6 (MANE Select); coding-DNA position 5721, C replaced by T.
Protein change: p.Ser1907=; no amino-acid change (serine 1907 retained).
Molecular consequence: synonymous variant.
Genome position (GRCh38, 1-based): chr20:62,324,127, G>A on the plus strand (C>T on the coding strand, the complement: LAMA5 is on the minus strand). VCF-style: chr20-62324127-G-A. GRCh37 (hg19) VCF-style: chr20-60899183-G-A.
Other names: c.5721C>T (NM_005560.4).
Identifiers: ClinVar variation 1599965 (VCV001599965.10), dbSNP rs780626116, ClinGen allele CA9942077.

ClinVar aggregate classification (germline): Benign. Review status: criteria provided, single submitter (1 of 4 stars). 2 submissions from 2 submitters: Benign (1). 1 of the submissions does not count toward it. Last evaluated 2026-01-18.

Conditions:
LAMA5-related disorder. Also called: LAMA5-Related Disorders; LAMA5-related condition.

Allele frequency attached by ClinVar (database versions not stated): gnomAD 0.00007; TOPMed 0.00024; gnomAD exomes 0.00037.
gnomAD v4.1: 108 of 1,540,986 alleles (0.007%); highest among the groups gnomAD compares: Admixed American, 0.18%; no homozygotes.

Submissions (2):

Labcorp Genetics (formerly Invitae), Labcorp
Classification: Benign. Last evaluated: 2026-01-18. Review status: criteria provided, single submitter. Criteria: Invitae Variant Classification Sherloc (09022015). Collection method: clinical testing. Allele origin: germline.

PreventionGenetics, part of Exact Sciences
Classification: Likely benign for LAMA5-related condition. Last evaluated: 2021-04-29. Review status: no assertion criteria provided. Collection method: clinical testing. Allele origin: germline. Not counted in ClinVar's aggregate classification.
Comment: This variant is classified as likely benign based on ACMG/AMP sequence variant interpretation guidelines (Richards et al. 2015 PMID: 25741868, with internal and published modifications).